The following is an entry in ClinVar:

NM_152703.5(SAMD9L):c.3367C>G (p.Leu1123Val)

Gene: SAMD9L (sterile alpha motif domain containing 9 like; minus strand). Cytogenetic location: 7q21.2.
Variant type: single nucleotide variant.
Coding change: c.3367C>G on transcript NM_152703.5 (MANE Select); coding-DNA position 3367, C replaced by G.
Protein change: p.Leu1123Val; replaces leucine 1123 with valine.
Molecular consequence: missense variant.
Genome position (GRCh38, 1-based): chr7:93,132,605, G>C on the plus strand (C>G on the coding strand, the complement: SAMD9L is on the minus strand). VCF-style: chr7-93132605-G-C. GRCh37 (hg19) VCF-style: chr7-92761918-G-C.
Other names: c.3367C>G, p.Leu1123Val (NM_001303496.3, NM_001303497.3, NM_001303498.3 and 5 more transcripts); short protein forms L1123V.
Identifiers: ClinVar variation 2992531 (VCV002992531.3), dbSNP rs372468662, ClinGen allele CA368183081.

ClinVar aggregate classification (germline): Uncertain significance (1 of 4 stars; one submission).

gnomAD v4.1: 9 of 1,613,602 alleles (0.00056%); highest among the groups gnomAD compares: Admixed American, 0.0017%; no homozygotes.

Submission:

Labcorp Genetics (formerly Invitae), Labcorp
Classification: Uncertain significance. Last evaluated: 2025-06-17. Review status: criteria provided, single submitter. Criteria: Invitae Variant Classification Sherloc (09022015). Collection method: clinical testing. Allele origin: germline.
Comment: This sequence change replaces leucine, which is neutral and non-polar, with valine, which is neutral and non-polar, at codon 1123 of the SAMD9L protein (p.Leu1123Val). The frequency data for this variant in the population databases is considered unreliable, as metrics indicate poor data quality at this position in the gnomAD database. This variant has not been reported in the literature in individuals affected with SAMD9L-related conditions. ClinVar contains an entry for this variant (Variation ID: 2992531). Invitae Evidence Modeling of protein sequence and biophysical properties (such as structural, functional, and spatial information, amino acid conservation, physicochemical variation, residue mobility, and thermodynamic stability) indicates that this missense variant is not expected to disrupt SAMD9L protein function with a negative predictive value of 80%. In summary, the available evidence is currently insufficient to determine the role of this variant in disease. Therefore, it has been classified as a Variant of Uncertain Significance.